The following is an entry in ClinVar:

NM_000062.3(SERPING1):c.1A>G (p.Met1Val)

Gene: SERPING1 (serpin family G member 1; plus strand). Cytogenetic location: 11q12.1.
Variant type: single nucleotide variant.
Coding change: c.1A>G on transcript NM_000062.3 (MANE Select); coding-DNA position 1, A replaced by G.
Protein change: p.Met1Val; changes the start codon (methionine 1).
Molecular consequence: missense variant, initiator codon variant.
Genome position (GRCh38, 1-based): chr11:57,598,271, A>G. VCF-style: chr11-57598271-A-G. GRCh37 (hg19) VCF-style: chr11-57365744-A-G.
Other names: c.1A>G, p.Met1Val (NM_001032295.2); short protein forms M1V.
Identifiers: ClinVar variation 626352 (VCV000626352.14), dbSNP rs1565168898, ClinGen allele CA380693201.

ClinVar aggregate classification (germline): Pathogenic. Review status: criteria provided, multiple submitters, no conflicts (2 of 4 stars). 3 submissions from 3 submitters: Pathogenic (3). Last evaluated 2025-06-01.

Conditions:
Hereditary angioedema type 1 (HAE1). Identifiers: Orphanet 100050, Orphanet 100051, Orphanet 91378, MedGen C2717906, MONDO:0015053, OMIM 106100.

Submissions (3):

CeGaT Center for Human Genetics Tuebingen
Classification: Pathogenic. Last evaluated: 2025-06-01. Review status: criteria provided, single submitter. Criteria: CeGaT Center For Human Genetics Tuebingen Variant Classification Criteria Version 2. Collection method: clinical testing. Allele origin: germline. Affected: yes. Observed: 1 variant allele.
Comment: SERPING1: PS4, PM2, PS1:Moderate, PVS1:Moderate, PP4

Labcorp Genetics (formerly Invitae), Labcorp
Classification: Pathogenic. Last evaluated: 2023-12-09. Review status: criteria provided, single submitter. Criteria: Invitae Variant Classification Sherloc (09022015). Collection method: clinical testing. Allele origin: germline.
Comment: This sequence change affects the initiator methionine of the SERPING1 mRNA. The next in-frame methionine is located at codon 53. This variant is not present in population databases (gnomAD no frequency). Disruption of the initiator codon has been observed in individuals with hereditary angioedema (PMID: 18535392, 21832835, 24456027; Invitae). It has also been observed to segregate with disease in related individuals. ClinVar contains an entry for this variant (Variation ID: 626352). For these reasons, this variant has been classified as Pathogenic.

Department of Immunology and Histocompatibility, University of Thessaly
Classification: Pathogenic for Hereditary angioedema type 1. Review status: criteria provided, single submitter. Criteria: ACMG Guidelines, 2015. Collection method: clinical testing. Allele origin: germline. Affected: yes. Observed: 6 variant alleles.
Comment: The c.1A>G (p.Met1Val) variant has been previously reported in association with hereditary angioedema in the literature (Gosswein et al., 2008; Loules et al., 2018) and in HAE database. It is a regulatory mutation that alters the initiation codon of the transcript 001 of SERPING1 gene. It was detected by our laboratory in 6 patients with C1-INH HAE Type I, members of a Greek family (3 male and 3 female). The mutation was not detected in three asymptomatic family members. The variant has never been detected in approximately 120000 individuals of the Exome Aggregation Consortium (ExAC), indicating that it is not a common variant. There are three more mutations which change the initiation codon of the transcript and they have been previously reported in association with C1-INH HAE Type I: c.1A>C (p.Met1Leu), c.2T>G (p.Met1Arg) [Speletas et al., 2015] and c.2T>G (p.Met1Thr) [Bafunno V et al., 2014]. Taking all the above into account and according to ACMG Guidelines (Criteria: PVS1, PS1, PS4, PM2, PP1, PP4) the variant is considered pathogenic.

Literature cited by the submitters: PubMed 18535392 (cited by Labcorp Genetics (formerly Invitae), Labcorp); PubMed 21832835 (cited by Labcorp Genetics (formerly Invitae), Labcorp); PubMed 24456027 (cited by Labcorp Genetics (formerly Invitae), Labcorp); PubMed 29753808 (cited by Department of Immunology and Histocompatibility, University of Thessaly).